The following is an entry in ClinVar:

NM_205834.4(LSR):c.1614T>G (p.Tyr538Ter)

Gene: LSR (lipolysis stimulated lipoprotein receptor; plus strand). Cytogenetic location: 19q13.12.
Variant type: single nucleotide variant.
Coding change: c.1614T>G on transcript NM_205834.4 (MANE Select); coding-DNA position 1614, T replaced by G.
Protein change: p.Tyr538Ter; replaces tyrosine 538 with a stop codon.
Molecular consequence: nonsense.
Genome position (GRCh38, 1-based): chr19:35,267,578, T>G. VCF-style: chr19-35267578-T-G. GRCh37 (hg19) VCF-style: chr19-35758481-T-G.
Other names: c.1554T>G, p.Tyr518Ter (NM_001260489.2); c.1290T>G, p.Tyr430Ter (NM_001260490.2); c.1407T>G, p.Tyr469Ter (NM_001385215.1); c.1557T>G, p.Tyr519Ter (NM_015925.7); c.1410T>G, p.Tyr470Ter (NM_205835.4); short protein forms Y430*, Y470*, Y519*, Y469*, Y518*, Y538*.
Identifiers: ClinVar variation 4729604 (VCV004729604.1).

ClinVar aggregate classification (germline): Uncertain significance (1 of 4 stars; one submission).

gnomAD v4.1: 11 of 1,612,200 alleles (0.00068%); highest among the groups gnomAD compares: Non-Finnish European, 0.00093%; no homozygotes.

Submission:

Labcorp Genetics (formerly Invitae), Labcorp
Classification: Uncertain significance. Last evaluated: 2026-01-25. Review status: criteria provided, single submitter. Criteria: Invitae Variant Classification Sherloc (09022015). Collection method: clinical testing. Allele origin: germline.
Comment: This sequence change creates a premature translational stop signal (p.Tyr586*) in the LSR gene. It is expected to result in an absent or disrupted protein product. However, the current clinical and genetic evidence is not sufficient to establish whether loss-of-function variants in LSR cause disease. This variant is present in population databases (rs762214782, gnomAD 0.0009%). This variant has not been reported in the literature in individuals affected with LSR-related conditions. In summary, the available evidence is currently insufficient to determine the role of this variant in disease. Therefore, it has been classified as a Variant of Uncertain Significance.